The following is an entry in ClinVar:

NM_033380.3(COL4A5):c.3373G>C (p.Gly1125Arg)

Gene: COL4A5 (collagen type IV alpha 5 chain; plus strand). Cytogenetic location: Xq22.3.
Variant type: single nucleotide variant.
Coding change: c.3373G>C on transcript NM_033380.3 (MANE Select); coding-DNA position 3373, G replaced by C.
Protein change: p.Gly1125Arg; replaces glycine 1125 with arginine.
Molecular consequence: missense variant.
Genome position (GRCh38, 1-based): chrX:108,655,457, G>C. VCF-style: chrX-108655457-G-C. GRCh37 (hg19) VCF-style: chrX-107898687-G-C.
Other names: c.3373G>C, p.Gly1125Arg (NM_000495.5); short protein forms G1125R.
Identifiers: ClinVar variation 1069146 (VCV001069146.9), dbSNP rs2067822565, ClinGen allele CA413857661.

ClinVar aggregate classification (germline): Pathogenic (1 of 4 stars; one submission).

Submission:

Labcorp Genetics (formerly Invitae), Labcorp
Classification: Pathogenic. Last evaluated: 2020-10-07. Review status: criteria provided, single submitter. Criteria: Invitae Variant Classification Sherloc (09022015). Collection method: clinical testing. Allele origin: germline.
Comment: Algorithms developed to predict the effect of missense changes on protein structure and function are either unavailable or do not agree on the potential impact of this missense change (SIFT: "Deleterious"; PolyPhen-2: "Not Available"; Align-GVGD: "Class C65"). Nucleotide substitutions within the consensus splice site are a relatively common cause of aberrant splicing (PMID: 17576681, 9536098). Algorithms developed to predict the effect of sequence changes on RNA splicing suggest that this variant may disrupt the consensus splice site, but this prediction has not been confirmed by published transcriptional studies. This missense change has been observed in individual(s) with clinical features of inherited kidney disease (PMID: 29801666, Invitae). This variant is not present in population databases (ExAC no frequency). This sequence change replaces glycine with arginine at codon 1125 of the COL4A5 protein (p.Gly1125Arg). The glycine residue is highly conserved and there is a moderate physicochemical difference between glycine and arginine. This variant also falls at the last nucleotide of exon 37 of the COL4A5 coding sequence, which is part of the consensus splice site for this exon. This variant disrupts the triple helix domain of COL4A5. Glycine residues within the Gly-Xaa-Yaa repeats of the triple helix domain are required for the structure and stability of fibrillar collagens (PMID: 7695699, 8218237, 19344236). In COL4A5, missense variants at these glycine residues are significantly enriched in individuals with disease (PMID: 23720012, 27627812) compared to the general population (ExAC). For these reasons, this variant has been classified as Pathogenic.

Literature cited by the submitters: PubMed 17576681; PubMed 9536098; PubMed 29801666; PubMed 7695699; PubMed 8218237; PubMed 19344236; PubMed 23720012; PubMed 27627812.